The following is an entry in ClinVar:

NM_000051.4(ATM):c.5084C>T (p.Ser1695Phe)

Gene: ATM (ATM serine/threonine kinase; plus strand). Cytogenetic location: 11q22.3.
Variant type: single nucleotide variant.
Coding change: c.5084C>T on transcript NM_000051.4 (MANE Select); coding-DNA position 5084, C replaced by T.
Protein change: p.Ser1695Phe; replaces serine 1695 with phenylalanine.
Molecular consequence: missense variant.
Genome position (GRCh38, 1-based): chr11:108,299,792, C>T. VCF-style: chr11-108299792-C-T. GRCh37 (hg19) VCF-style: chr11-108170519-C-T.
Other names: c.5084C>T, p.Ser1695Phe (NM_001351834.2); short protein forms S1695F.
Identifiers: ClinVar variation 4747227 (VCV004747227.1).
Genomic context (GRCh38, chr11:108,299,792, plus strand): 5'-TGGGAGAAGTGGGTCCTATAGATTTCTCTACCATAGCTATACAACATAGTAAAGATGCAT[C>T]TTATACCAAGGCCCTTAAGTTATTTGAAGATAAAGAACTTCAGTGGACCTTCATAATGCT-3'
Protein context (NP_000042.3, residues 1685-1705): TIAIQHSKDA[Ser1695Phe]YTKALKLFED

ClinVar aggregate classification (germline): Uncertain significance (1 of 4 stars; one submission).

Conditions:
Ataxia-telangiectasia syndrome (AT). Also called: Ataxia-telangiectasia, complementation group D; AT, COMPLEMENTATION GROUP C; Ataxia-telangiectasia; Ataxia telangiectasia (A-T); LOUIS-BAR SYNDROME; Cerebello-oculocutaneous telangiectasia. Identifiers: Orphanet 100, MedGen C0004135, MONDO:0008840, OMIM 208900.

Submission:

Labcorp Genetics (formerly Invitae), Labcorp
Classification: Uncertain significance for Ataxia-telangiectasia syndrome. Last evaluated: 2026-01-19. Review status: criteria provided, single submitter. Criteria: Invitae Variant Classification Sherloc (09022015). Collection method: clinical testing. Allele origin: germline.
Comment: This sequence change replaces serine, which is neutral and polar, with phenylalanine, which is neutral and non-polar, at codon 1695 of the ATM protein (p.Ser1695Phe). This variant is not present in population databases (gnomAD no frequency). This variant has not been reported in the literature in individuals affected with ATM-related conditions. Invitae Evidence Modeling of protein sequence and biophysical properties (such as structural, functional, and spatial information, amino acid conservation, physicochemical variation, residue mobility, and thermodynamic stability) indicates that this missense variant is not expected to disrupt ATM protein function with a negative predictive value of 95%. In summary, the available evidence is currently insufficient to determine the role of this variant in disease. Therefore, it has been classified as a Variant of Uncertain Significance.